The following is an entry in ClinVar:

ClinVar aggregate classification (germline): Pathogenic (1 of 4 stars; one submission).

Conditions:
Pigmentary pallidal degeneration (NBIA1). Also called: PKAN NEUROAXONAL DYSTROPHY, JUVENILE-ONSET; Neurodegeneration with brain iron accumulation 1; HARP SYNDROME; Pantothenate Kinase-Associated Neurodegeneration; Neuroaxonal dystrophy, late infantile; Hallervorden-Spatz disease. Identifiers: Orphanet 157850, MedGen C0018523, MONDO:0009319, OMIM 234200.

Submission:

Labcorp Genetics (formerly Invitae), Labcorp
Classification: Pathogenic for Pigmentary pallidal degeneration. Last evaluated: 2023-05-02. Review status: criteria provided, single submitter. Criteria: Invitae Variant Classification Sherloc (09022015). Collection method: clinical testing. Allele origin: germline.
Comment: This variant is not present in population databases (gnomAD no frequency). For these reasons, this variant has been classified as Pathogenic. This variant has not been reported in the literature in individuals affected with PANK2-related conditions. This sequence change creates a premature translational stop signal (p.Arg186Aspfs*19) in the PANK2 gene. It is expected to result in an absent or disrupted protein product. Loss-of-function variants in PANK2 are known to be pathogenic (PMID: 11479594, 12510040).

Literature cited by the submitters: PubMed 11479594; PubMed 12510040.

NM_001386393.1(PANK2):c.225del (p.Arg76fs)

Genes: PANK2 (pantothenate kinase 2; plus strand), LOC130065345 (ATAC-STARR-seq lymphoblastoid silent region 12635; plus strand). Cytogenetic location: 20p13.
Variant type: Deletion.
Coding change: c.225del on transcript NM_001386393.1 (MANE Select); coding-DNA position 225, one base deleted (T; older notation c.225delT).
Protein change: p.Arg76fs; shifts the reading frame from arginine 76.
Molecular consequence: frameshift variant. On other transcripts: 5 prime UTR variant (1), non-coding transcript variant (1), intron variant (1).
Genome position (GRCh38, 1-based): chr20:3,889,655, T deleted. VCF-style (leftmost placement, unchanged base first): chr20-3889654-AT-A. GRCh37 (hg19) VCF-style: chr20-3870301-AT-A.
Other names: c.-487del (NM_001324191.2); c.555del, p.Arg186fs (NM_001324192.1, NM_153638.4); c.-246+751del (NM_024960.6); short protein forms R186fs, R76fs.
Identifiers: ClinVar variation 2784668 (VCV002784668.3), dbSNP rs2515425418, ClinGen allele CA2739277043.